The following is an entry in ClinVar:

ClinVar aggregate classification (germline): Uncertain significance. Review status: criteria provided, multiple submitters, no conflicts (2 of 4 stars). 2 submissions from 2 submitters: Uncertain significance (2). Last evaluated 2024-09-09.

Conditions:
Familial infantile myasthenia (CMS6). Also called: Congenital myasthenic syndrome type 6; MYASTHENIC SYNDROME, PRESYNAPTIC, CONGENITAL, ASSOCIATED WITH EPISODIC APNEA; MYASTHENIC SYNDROME, CONGENITAL, 6, PRESYNAPTIC. Identifiers: Orphanet 590, MedGen C0393929, MONDO:0009689, OMIM 254210.
Inborn genetic diseases. Identifiers: MedGen C0950123, MeSH D030342.

gnomAD v4.1: 1 of 1,613,296 alleles (0.000062%); highest among the groups gnomAD compares: East Asian, 0.0022%; no homozygotes.

Submissions (2):

Ambry Genetics
Classification: Uncertain significance for Inborn genetic diseases. Last evaluated: 2024-09-09. Review status: criteria provided, single submitter. Criteria: Ambry Variant Classification Scheme 2023. Collection method: clinical testing. Allele origin: germline.

Labcorp Genetics (formerly Invitae), Labcorp
Classification: Uncertain significance for Familial infantile myasthenia. Last evaluated: 2022-07-26. Review status: criteria provided, single submitter. Criteria: Invitae Variant Classification Sherloc (09022015). Collection method: clinical testing. Allele origin: germline.
Comment: This sequence change replaces threonine, which is neutral and polar, with serine, which is neutral and polar, at codon 454 of the CHAT protein (p.Thr454Ser). This variant is not present in population databases (gnomAD no frequency). This variant has not been reported in the literature in individuals affected with CHAT-related conditions. ClinVar contains an entry for this variant (Variation ID: 1399031). Advanced modeling of protein sequence and biophysical properties (such as structural, functional, and spatial information, amino acid conservation, physicochemical variation, residue mobility, and thermodynamic stability) performed at Invitae indicates that this missense variant is not expected to disrupt CHAT protein function. In summary, the available evidence is currently insufficient to determine the role of this variant in disease. Therefore, it has been classified as a Variant of Uncertain Significance.

NM_020549.5(CHAT):c.1360A>T (p.Thr454Ser)

Gene: CHAT (choline O-acetyltransferase; plus strand). Cytogenetic location: 10q11.23.
Variant type: single nucleotide variant.
Coding change: c.1360A>T on transcript NM_020549.5 (MANE Select); coding-DNA position 1360, A replaced by T.
Protein change: p.Thr454Ser; replaces threonine 454 with serine.
Molecular consequence: missense variant.
Genome position (GRCh38, 1-based): chr10:49,648,585, A>T. VCF-style: chr10-49648585-A-T. GRCh37 (hg19) VCF-style: chr10-50856631-A-T.
Other names: c.1006A>T, p.Thr336Ser (NM_001142929.2, NM_001142934.2, NM_020984.4 and 2 more transcripts); c.1114A>T, p.Thr372Ser (NM_001142933.2); c.1360A>T (NM_020549.4); short protein forms T372S, T454S, T336S.
Identifiers: ClinVar variation 1399031 (VCV001399031.6), dbSNP rs745938985, ClinGen allele CA376742745.
Genomic context (GRCh38, chr10:49,648,585, plus strand): 5'-GGCACCTGCGGTGTGGTGTGCGAACACTCCCCATTCGATGGCATCGTCCTGGTGCAGTGC[A>T]CTGAGCATCTGCTCAAGCACGTGTGAGTCTGGATCCCAGGGCTGCCATGCTGGGCCCAAA-3'
Protein context (NP_065574.4, residues 444-464): PFDGIVLVQC[Thr454Ser]EHLLKHVTQS